The following is an entry in ClinVar:

ClinVar aggregate classification (germline): Conflicting classifications of pathogenicity. Review status: criteria provided, conflicting classifications (1 of 4 stars). 2 submissions from 2 submitters: Uncertain significance (1); Likely benign (1). Last evaluated 2024-08-27.

Submissions (2):

Labcorp Genetics (formerly Invitae), Labcorp
Classification: Uncertain significance. Last evaluated: 2024-08-27. Review status: criteria provided, single submitter. Criteria: Invitae Variant Classification Sherloc (09022015). Collection method: clinical testing. Allele origin: germline.
Comment: This sequence change falls in intron 86 of the COL7A1 gene. It does not directly change the encoded amino acid sequence of the COL7A1 protein. It affects a nucleotide within the consensus splice site. This variant is not present in population databases (gnomAD no frequency). This variant has not been reported in the literature in individuals affected with COL7A1-related conditions. ClinVar contains an entry for this variant (Variation ID: 513265). Variants that disrupt the consensus splice site are a relatively common cause of aberrant splicing (PMID: 17576681, 9536098). Algorithms developed to predict the effect of sequence changes on RNA splicing suggest that this variant is not likely to affect RNA splicing. In summary, the available evidence is currently insufficient to determine the role of this variant in disease. Therefore, it has been classified as a Variant of Uncertain Significance.

GeneDx
Classification: Likely benign. Last evaluated: 2021-05-10. Review status: criteria provided, single submitter. Criteria: GeneDx Variant Classification Process June 2021. Collection method: clinical testing. Allele origin: germline. Affected: yes.

Literature cited by the submitters: PubMed 17576681 (cited by Labcorp Genetics (formerly Invitae), Labcorp); PubMed 9536098 (cited by Labcorp Genetics (formerly Invitae), Labcorp).

NM_000094.4(COL7A1):c.6832-3T>C

Gene: COL7A1 (collagen type VII alpha 1 chain; minus strand). Cytogenetic location: 3p21.31.
Variant type: single nucleotide variant.
Coding change: c.6832-3T>C on transcript NM_000094.4 (MANE Select); 3 bases into the intron before coding-DNA position 6832, T replaced by C.
Molecular consequence: intron variant.
Genome position (GRCh38, 1-based): chr3:48,572,742, A>G on the plus strand (T>C on the coding strand, the complement: COL7A1 is on the minus strand). VCF-style: chr3-48572742-A-G. GRCh37 (hg19) VCF-style: chr3-48610175-A-G.
Identifiers: ClinVar variation 513265 (VCV000513265.6), dbSNP rs1553853065, ClinGen allele CA658796306.